The following is an entry in ClinVar:

NM_000138.5(FBN1):c.571A>G (p.Ser191Gly)

Gene: FBN1 (fibrillin 1; minus strand). Cytogenetic location: 15q21.1.
Variant type: single nucleotide variant.
Coding change: c.571A>G on transcript NM_000138.5 (MANE Select); coding-DNA position 571, A replaced by G.
Protein change: p.Ser191Gly; replaces serine 191 with glycine.
Molecular consequence: missense variant.
Genome position (GRCh38, 1-based): chr15:48,537,776, T>C on the plus strand (A>G on the coding strand, the complement: FBN1 is on the minus strand). VCF-style: chr15-48537776-T-C. GRCh37 (hg19) VCF-style: chr15-48829973-T-C.
Other names: c.571A>G, p.Ser191Gly (NM_001406716.1, NM_001406717.1); short protein forms S191G.
Identifiers: ClinVar variation 3390574 (VCV003390574.2).

ClinVar aggregate classification (germline): Uncertain significance. Review status: criteria provided, multiple submitters, no conflicts (2 of 4 stars). 2 submissions from 2 submitters: Uncertain significance (2). Last evaluated 2024-06-13.

gnomAD v4.1: 1 of 1,614,202 alleles (0.000062%); highest among the groups gnomAD compares: Non-Finnish European, 0.000085%; no homozygotes.

Submissions (2):

GeneDx
Classification: Uncertain significance. Last evaluated: 2024-06-13. Review status: criteria provided, single submitter. Criteria: GeneDx Variant Classification Process June 2021. Collection method: clinical testing. Allele origin: germline. Affected: yes.
Comment: In silico analysis indicates that this missense variant does not alter protein structure/function; Not observed at significant frequency in large population cohorts (gnomAD); Does not affect a cysteine or calcium-binding residue within an EGF-like domain or a TGF-binding protein domain of the FBN1 gene; cysteine substitutions in the EGF-like domains represent the majority of pathogenic missense changes associated with FBN1-related disorders (PMID: 12938084); This variant is associated with the following publications: (PMID: 12938084, 30115950)

Revvity Omics, Revvity
Classification: Uncertain significance. Last evaluated: 2023-09-13. Review status: criteria provided, single submitter. Criteria: ACMG Guidelines, 2015. Collection method: clinical testing. Allele origin: germline.